The following is an entry in ClinVar:

ClinVar aggregate classification (germline): Uncertain significance (1 of 4 stars; one submission).

Conditions:
Primary ciliary dyskinesia. Also called: Ciliary dyskinesia. Identifiers: Orphanet 244, MedGen C0008780, MONDO:0016575, HP:0012265.

Submission:

Labcorp Genetics (formerly Invitae), Labcorp
Classification: Uncertain significance for Primary ciliary dyskinesia. Last evaluated: 2024-06-24. Review status: criteria provided, single submitter. Criteria: Invitae Variant Classification Sherloc (09022015). Collection method: clinical testing. Allele origin: germline.
Comment: This sequence change replaces serine, which is neutral and polar, with leucine, which is neutral and non-polar, at codon 202 of the RPGR protein (p.Ser202Leu). This variant is not present in population databases (gnomAD no frequency). This variant has not been reported in the literature in individuals affected with RPGR-related conditions. Advanced modeling of protein sequence and biophysical properties (such as structural, functional, and spatial information, amino acid conservation, physicochemical variation, residue mobility, and thermodynamic stability) has been performed at Invitae for this missense variant, however the output from this modeling did not meet the statistical confidence thresholds required to predict the impact of this variant on RPGR protein function. Algorithms developed to predict the effect of sequence changes on RNA splicing suggest that this variant may disrupt the consensus splice site. In summary, the available evidence is currently insufficient to determine the role of this variant in disease. Therefore, it has been classified as a Variant of Uncertain Significance.

NM_001034853.2(RPGR):c.605C>T (p.Ser202Leu)

Gene: RPGR (retinitis pigmentosa GTPase regulator; minus strand). Cytogenetic location: Xp11.4.
Variant type: single nucleotide variant.
Coding change: c.605C>T on transcript NM_001034853.2 (MANE Select); coding-DNA position 605, C replaced by T.
Protein change: p.Ser202Leu; replaces serine 202 with leucine.
Molecular consequence: missense variant. On other transcripts: non-coding transcript variant (5).
Genome position (GRCh38, 1-based): chrX:38,317,330, G>A on the plus strand (C>T on the coding strand, the complement: RPGR is on the minus strand). VCF-style: chrX-38317330-G-A. GRCh37 (hg19) VCF-style: chrX-38176583-G-A.
Other names: c.605C>T, p.Ser202Leu (NM_000328.3, NM_001367245.1, NM_001367246.1 and 3 more transcripts); c.635C>T, p.Ser212Leu (NM_001367248.1); c.602C>T, p.Ser201Leu (NM_001367249.1); short protein forms S212L, S201L, S202L.
Identifiers: ClinVar variation 3656775 (VCV003656775.2).
Genomic context (GRCh38, chrX:38,317,330, plus strand): 5'-AACATAGAAGTGGGAGATAACATGATGACTTCAAAATGTGTCTTACTTGTTACAAAAGCT[G>A]AATGGTAATATCCACAAGAGATCCAGGAGACAGGTTTCCCAATGGTCACTTGCTGAGGGA-3'
Protein context (NP_001030025.1, residues 192-212): VSWISCGYYH[Ser202Leu]AFVTTDGELY